The following is an entry in ClinVar:

NM_006254.4(PRKCD):c.1447C>T (p.Arg483Trp)

Gene: PRKCD (protein kinase C delta; plus strand). Cytogenetic location: 3p21.1.
Variant type: single nucleotide variant.
Coding change: c.1447C>T on transcript NM_006254.4 (MANE Select); coding-DNA position 1447, C replaced by T.
Protein change: p.Arg483Trp; replaces arginine 483 with tryptophan.
Molecular consequence: missense variant.
Genome position (GRCh38, 1-based): chr3:53,188,751, C>T. VCF-style: chr3-53188751-C-T. GRCh37 (hg19) VCF-style: chr3-53222767-C-T.
Other names: c.1447C>T, p.Arg483Trp (NM_001316327.2, NM_001354679.2, NM_001354680.2 and 1 more transcripts); c.1504C>T, p.Arg502Trp (NM_001354676.2); c.1495C>T, p.Arg499Trp (NM_001354678.2); short protein forms R502W, R499W, R483W.
Identifiers: ClinVar variation 798180 (VCV000798180.35), dbSNP rs35891605, ClinGen allele CA2452199.

ClinVar aggregate classification (germline): Conflicting classifications of pathogenicity. Review status: criteria provided, conflicting classifications (1 of 4 stars). 5 submissions from 5 submitters: Uncertain significance (3); Likely benign (2). Last evaluated 2026-03-01.

Conditions:
Autoimmune lymphoproliferative syndrome, type III caused by mutation in PRKCD. Identifiers: Orphanet 3261, Orphanet 664711, MedGen C3809928, MONDO:8000024, OMIM 615559.

Allele frequency attached by ClinVar (database versions not stated): TOPMed 0.00049; gnomAD 0.00060 and 0.00063; gnomAD exomes 0.00070 and 0.00081; ExAC 0.00084; ESP Exome Variant Server 0.00092.
gnomAD v4.1: 1,269 of 1,614,042 alleles (0.079%); highest among the groups gnomAD compares: Non-Finnish European, 0.09%; no homozygotes.

Submissions (5):

CeGaT Center for Human Genetics Tuebingen
Classification: Likely benign. Last evaluated: 2026-03-01. Review status: criteria provided, single submitter. Criteria: CeGaT Center For Human Genetics Tuebingen Variant Classification Criteria Version 2. Collection method: clinical testing. Allele origin: germline. Affected: yes. Observed: 2 variant alleles.
Comment: PRKCD: BP4

Labcorp Genetics (formerly Invitae), Labcorp
Classification: Likely benign for Autoimmune lymphoproliferative syndrome, type III caused by mutation in PRKCD. Last evaluated: 2026-02-01. Review status: criteria provided, single submitter. Criteria: Invitae Variant Classification Sherloc (09022015). Collection method: clinical testing. Allele origin: germline.

Blueprint Genetics
Classification: Uncertain significance. Last evaluated: 2024-09-19. Review status: criteria provided, single submitter. Criteria: ACMG Guidelines, 2015. Collection method: clinical testing. Allele origin: germline.

ARUP Laboratories, Molecular Genetics and Genomics, ARUP Laboratories
Classification: Uncertain significance for Autoimmune lymphoproliferative syndrome, type III caused by mutation in PRKCD. Last evaluated: 2020-07-04. Review status: criteria provided, single submitter. Criteria: ARUP Molecular Germline Variant Investigation Process. Collection method: clinical testing. Allele origin: germline.

Revvity Omics, Revvity
Classification: Uncertain significance for Autoimmune lymphoproliferative syndrome, type III caused by mutation in PRKCD. Last evaluated: 2019-10-29. Review status: criteria provided, single submitter. Criteria: ACMG Guidelines, 2015. Collection method: clinical testing. Allele origin: germline.